The following is an entry in ClinVar:

ClinVar aggregate classification (germline): Pathogenic (1 of 4 stars; one submission).

Conditions:
Tyrosinemia type I (TYRSN1). Also called: HEPATORENAL TYROSINEMIA; Tyrosinemia type 1; Fumarylacetoacetase deficiency; Deficiency of fumarylacetoacetase; FAH DEFICIENCY. Identifiers: Orphanet 882, MedGen C0268490, MONDO:0010161, OMIM 276700. Disease mechanism: loss of function.

Submission:

Labcorp Genetics (formerly Invitae), Labcorp
Classification: Pathogenic for Tyrosinemia type I. Last evaluated: 2020-02-18. Review status: criteria provided, single submitter. Criteria: Invitae Variant Classification Sherloc (09022015). Collection method: clinical testing. Allele origin: germline.
Comment: The region of the FAH gene that includes exon(s) 12-14 has been determined to be clinically significant (PMID: 19569981). Therefore, deletions that encompass that region are likely to disrupt protein function and cause disease. For these reasons, this variant has been classified as Pathogenic. This variant has not been reported in the literature in individuals with FAH-related conditions. This variant is a gross deletion of the genomic region encompassing exons 8-14 of the FAH gene. The 5' boundary is likely confined to intron 7. The 3' end of this event is unknown as it extends through the termination codon beyond the assayed region for this gene and may encompass additional genes. While this deletion is not anticipated to result in nonsense mediated decay, it is expected to create a truncated protein product or disrupt mRNA translation.

Literature cited by the submitters: PubMed 19569981.

NC_000015.9:g.(?_80464481)_(80478561_?)del

Gene: FAH (fumarylacetoacetate hydrolase; plus strand). Cytogenetic location: 15q25.1.
Variant type: Deletion.
Identifiers: ClinVar variation 1073593 (VCV001073593.7).